The following is an entry in ClinVar:

NM_000059.4(BRCA2):c.2444T>C (p.Met815Thr)

Gene: BRCA2 (BRCA2 DNA repair associated; plus strand). Cytogenetic location: 13q13.1.
Variant type: single nucleotide variant.
Coding change: c.2444T>C on transcript NM_000059.4 (MANE Select); coding-DNA position 2444, T replaced by C.
Protein change: p.Met815Thr; replaces methionine 815 with threonine.
Molecular consequence: missense variant.
Genome position (GRCh38, 1-based): chr13:32,336,799, T>C. VCF-style: chr13-32336799-T-C. GRCh37 (hg19) VCF-style: chr13-32910936-T-C.
Other names: short protein forms M815T.
Identifiers: ClinVar variation 441305 (VCV000441305.31), dbSNP rs1303254121, ClinGen allele CA387772239.
Genomic context (GRCh38, chr13:32,336,799, plus strand): 5'-CAGACAAGCTCAAAGGTAACAATTATGAATCTGATGTTGAATTAACCAAAAATATTCCCA[T>C]GGAAAAGAATCAAGATGTATGTGCTTTAAATGAAAATTATAAAAACGTTGAGCTGTTGCC-3'
Protein context (NP_000050.3, residues 805-825): SDVELTKNIP[Met815Thr]EKNQDVCALN

ClinVar aggregate classification (germline): Conflicting classifications of pathogenicity. Review status: criteria provided, conflicting classifications (1 of 4 stars). 13 submissions from 13 submitters: Uncertain significance (7); Likely benign (4). 2 of the submissions do not count toward it. Last evaluated 2025-09-16.

Conditions:
Familial prostate cancer. Also called: Hereditary Prostate Cancer. Identifiers: MedGen C2931456, MONDO:0700275, OMIM 176807.
Familial cancer of breast. Also called: hereditary breast carcinoma; BREAST CANCER, FAMILIAL; Hereditary breast cancer. Identifiers: Orphanet 227535, MedGen C0346153, MONDO:0016419, OMIM 114480. Disease mechanism: loss of function.
Breast-ovarian cancer, familial, susceptibility to, 2 (BROVCA2). Also called: BRCA2 Hereditary Breast and Ovarian Cancer. Identifiers: Orphanet 145, MedGen C2675520, MONDO:0012933, OMIM 612555. Disease mechanism: loss of function.
Medulloblastoma (MDB). Also called: Medulloblastoma, somatic; MEDULLOBLASTOMA PREDISPOSITION SYNDROME. Identifiers: Orphanet 616, MedGen C0025149, MeSH D008527, MONDO:0007959, OMIM 155255, HP:0002885.
Wilms tumor 1 (WT1). Also called: Wilms tumor, somatic. Identifiers: Orphanet 654, MedGen CN033288, MONDO:0008679, OMIM 194070.
Pancreatic cancer, susceptibility to, 2. Identifiers: Orphanet 1333, MedGen C3150546, MONDO:0013235, OMIM 613347.
Glioma susceptibility 3 (GLM3). Also called: Glioblastoma 3. Identifiers: Orphanet 182067, Orphanet 360, MedGen C2751641, MONDO:0013093, OMIM 613029.
Fanconi anemia complementation group D1. Also called: BRCA2-Related Fanconi Anemia. Identifiers: Orphanet 319462, MedGen C1838457, MONDO:0011584, OMIM 605724.
Hereditary cancer-predisposing syndrome. Also called: Hereditary Cancer Syndrome; Tumor predisposition; Neoplastic Syndromes, Hereditary; Hereditary neoplastic syndrome. Identifiers: Orphanet 140162, MedGen C0027672, MeSH D009386, MONDO:0015356.
Malignant tumor of breast. Also called: Malignant breast neoplasm; Cancer breast. Identifiers: MedGen C0006142, MONDO:0007254. Disease mechanism: loss of function.
Hereditary breast ovarian cancer syndrome. Also called: Breast and ovarian cancer; Hereditary breast and ovarian cancer syndrome; BRCA1- and BRCA2-Associated Hereditary Breast and Ovarian Cancer; Hereditary breast and ovarian cancer syndrome (HBOC); Hereditary breast and/or ovarian cancer syndrome; Hereditary breast and ovarian cancer. Identifiers: Orphanet 145, MedGen C0677776, MeSH D061325, MONDO:0003582. Disease mechanism: loss of function.

Allele frequency attached by ClinVar (database versions not stated): gnomAD exomes 0.00001 and below 0.00001.
gnomAD v4.1: 3 of 1,607,532 alleles (0.00019%); highest among the groups gnomAD compares: East Asian, 0.0045%; no homozygotes.

Submissions (13):

Labcorp Genetics (formerly Invitae), Labcorp
Classification: Likely benign for Hereditary breast ovarian cancer syndrome. Last evaluated: 2025-09-16. Review status: criteria provided, single submitter. Criteria: Invitae Variant Classification Sherloc (09022015). Collection method: clinical testing. Allele origin: germline.

Color Diagnostics, LLC DBA Color Health
Classification: Uncertain significance for Hereditary cancer-predisposing syndrome. Last evaluated: 2025-06-11. Review status: criteria provided, single submitter. Criteria: ACMG Guidelines, 2015. Collection method: clinical testing. Allele origin: germline.
Comment: This missense variant replaces methionine with threonine at codon 815 of the BRCA2 protein. Computational prediction suggests that this variant may not impact protein structure and function. To our knowledge, functional studies have not been reported for this variant. This variant has not been reported in individuals affected with hereditary cancer in the literature. This variant has been identified in 2/243424 chromosomes in the general population by the Genome Aggregation Database (gnomAD). The available evidence is insufficient to determine the role of this variant in disease conclusively. Therefore, this variant is classified as a Variant of Uncertain Significance.

Blueprint Genetics
Classification: Likely benign. Last evaluated: 2024-09-13. Review status: criteria provided, single submitter. Criteria: ACMG Guidelines, 2015. Collection method: clinical testing. Allele origin: germline.

Fulgent Genetics
Classification: Uncertain significance for Familial cancer of breast; Medulloblastoma; Familial prostate cancer; Wilms tumor 1; Fanconi anemia complementation group D1; Breast-ovarian cancer, familial, susceptibility to, 2; Glioma susceptibility 3; Pancreatic cancer, susceptibility to, 2. Last evaluated: 2024-05-15. Review status: criteria provided, single submitter. Criteria: ACMG Guidelines, 2015. Collection method: clinical testing. Allele origin: germline.

St. Jude Molecular Pathology, St. Jude Children's Research Hospital
Classification: Uncertain significance for Breast-ovarian cancer, familial, susceptibility to, 2. Last evaluated: 2024-04-22. Review status: criteria provided, single submitter. Criteria: St. Jude Assertion Criteria 2020. Collection method: clinical testing. Allele origin: germline.
Comment: The BRCA2 c.2444T>C (p.Met815Thr) missense change has a maximum subpopulation frequency of 0.011% in gnomAD v2.1.1. The in silico tool REVEL predicts a benign effect on protein function, but to our knowledge this prediction has not been confirmed by functional studies. It is absent in a database of women older than 70 years of age who have never had cancer (FLOSSIES). To our knowledge, this variant has not been reported in individuals with BRCA2-associated conditions. In summary, the evidence currently available is insufficient to determine the clinical significance of this variant. It has therefore been classified as of uncertain significance.

Ambry Genetics
Classification: Likely benign for Hereditary cancer-predisposing syndrome. Last evaluated: 2023-12-06. Review status: criteria provided, single submitter. Criteria: Ambry Variant Classification Scheme 2023. Collection method: clinical testing. Allele origin: germline.

Quest Diagnostics Nichols Institute San Juan Capistrano
Classification: Uncertain significance. Last evaluated: 2023-09-28. Review status: criteria provided, single submitter. Criteria: Quest Diagnostics criteria. Collection method: clinical testing. Allele origin: unknown.

All of Us Research Program, National Institutes of Health
Classification: Uncertain significance for Breast-ovarian cancer, familial, susceptibility to, 2. Last evaluated: 2023-08-15. Review status: criteria provided, single submitter. Criteria: ACMG Guidelines, 2015. Collection method: clinical testing. Allele origin: germline. Inheritance: Autosomal dominant inheritance. Observed: 1 variant allele, 1 heterozygote.
Comment: This missense variant replaces methionine with threonine at codon 815 of the BRCA2 protein. Computational prediction suggests that this variant may not impact protein structure and function (internally defined REVEL score threshold <= 0.5, PMID: 27666373). To our knowledge, functional studies have not been reported for this variant. This variant has not been reported in individuals affected with hereditary cancer in the literature. This variant has been identified in 2/243424 chromosomes in the general population by the Genome Aggregation Database (gnomAD). The available evidence is insufficient to determine the role of this variant in disease conclusively. Therefore, this variant is classified as a Variant of Uncertain Significance.

This study involves interpretation of variants in research participants for the purpose of population health screening. Participant phenotype was not available at the time of variant classification. Additional details can be found in publication PMID: 35346344, PMCID: PMC8962531

University of Washington Department of Laboratory Medicine, University of Washington
Classification: Likely benign for Hereditary cancer-predisposing syndrome. Last evaluated: 2023-03-23. Review status: criteria provided, single submitter. Criteria: Dines et al. (Genet Med. 2020). Collection method: curation. Allele origin: germline.
Comment: Missense variant in a coldspot region where missense variants are very unlikely to be pathogenic (PMID:31911673).

BRCA2 exon 11 coldspot. Reclassification based on statistical prior probability.

Genetic Services Laboratory, University of Chicago
Classification: Uncertain significance. Last evaluated: 2018-03-26. Review status: criteria provided, single submitter. Criteria: ACMG Guidelines, 2015. Collection method: clinical testing. Allele origin: germline. Affected: no.

Women's Health and Genetics/Laboratory Corporation of America, LabCorp
Classification: Uncertain significance. Last evaluated: 2016-02-08. Review status: criteria provided, single submitter. Criteria: LabCorp Variant Classification Summary - May 2015. Collection method: clinical testing. Allele origin: germline.
Comment: Variant summary: This c.2444T>C variant affects a non-conserved nucleotide, resulting in amino acid change from Met to Thr. 3/5 in-silico tools predict this variant to be benign. This variant was not found in approximately 120364 control chromosomes from broad and large populations of ExAC. The variant of interest has not been reported in affected individuals via publications and/or reputable databases/clinical laboratories, nor evaluated for functional impact by in vivo/vitro studies. Because of the absence of clinical information and the lack of functional studies, the variant was classified as a variant of uncertain significance (VUS) until additional information becomes available.

Center for Precision Medicine, Meizhou People's Hospital
Classification: Uncertain significance for Familial cancer of breast. Review status: no assertion criteria provided. Collection method: literature only. Allele origin: germline. Affected: yes. Not counted in ClinVar's aggregate classification.

Department of Pathology and Laboratory Medicine, Sinai Health System
Classification: Uncertain significance for Malignant tumor of breast. Review status: no assertion criteria provided. Collection method: clinical testing. Allele origin: unknown. Affected: yes. Study: The Canadian Open Genetics Repository (COGR). Not counted in ClinVar's aggregate classification.
Comment: The BRCA2 p.Met815Thr variant was not identified in the literature nor was it identified in the dbSBP, ClinVar, GeneInsight-COGR, Cosmic, MutDB, LOVD 3.0, UMD-LSDB, BIC Database, ARUP Laboratories, or Zhejiang University databases. The variant was identified in control databases in 2 of 239008 chromosomes at a frequency of 0.000008 increasing the likelihood that this may be a low frequency benign variant in certain populations of origin (Genome Aggregation Consortium Feb 27, 2017). The p.Met815Thr residue is not conserved in mammals and computational analyses (PolyPhen-2, SIFT, AlignGVGD, BLOSUM, MutationTaster) do not suggest a high likelihood of impact to the protein; however, this information is not predictive enough to rule out pathogenicity. The variant occurs outside of the splicing consensus sequence and in silico or computational prediction software programs (SpliceSiteFinder, MaxEntScan, NNSPLICE, GeneSplicer, HumanSpliceFinder) do not predict a difference in splicing. In summary, based on the above information the clinical significance of this variant cannot be determined with certainty at this time. This variant is classified as a variant of uncertain significance.

Literature cited by the submitters: PubMed 35918668 (cited by Ambry Genetics and Quest Diagnostics Nichols Institute San Juan Capistrano); PubMed 33471991 (cited by Quest Diagnostics Nichols Institute San Juan Capistrano); PubMed 32467295 (cited by Quest Diagnostics Nichols Institute San Juan Capistrano); PubMed 31911673 (cited by Quest Diagnostics Nichols Institute San Juan Capistrano).